The following is an entry in ClinVar:

ClinVar aggregate classification (germline): Uncertain significance. Review status: criteria provided, multiple submitters, no conflicts (2 of 4 stars). 4 submissions from 4 submitters: Uncertain significance (4). Last evaluated 2026-03-02.

Conditions:
Hypertrophic cardiomyopathy. Also called: HYPERTROPHIC MYOCARDIOPATHY. Identifiers: Orphanet 217569, MedGen C0007194, MeSH D002312, MONDO:0005045, HP:0001639.
Cardiovascular phenotype. Identifiers: MedGen CN230736.
Cardiomyopathy (CMYO). Also called: Cardiomyopathies. Identifiers: Orphanet 167848, MedGen C0878544, MONDO:0004994, HP:0001638. Inheritance: Various modes of inheritance.

Allele frequency attached by ClinVar (database versions not stated): ExAC 0.00007; gnomAD exomes 0.00001.
gnomAD v4.1: 15 of 1,601,804 alleles (0.00094%); highest among the groups gnomAD compares: Admixed American, 0.0017%; no homozygotes.

Submissions (4):

GeneDx
Classification: Uncertain significance. Last evaluated: 2026-03-02. Review status: criteria provided, single submitter. Criteria: GeneDx Variant Classification Process June 2021. Collection method: clinical testing. Allele origin: germline.
Comment: Identified in patients with HCM in published literature (PMID: 25342278, 29875424, 35208637, 33782553, 25132132); In silico analysis suggests that this missense variant does not alter protein structure/function; This variant is associated with the following publications: (PMID: 35208637, 29875424, 33782553, 25342278, 25132132)

Labcorp Genetics (formerly Invitae), Labcorp
Classification: Uncertain significance for Hypertrophic cardiomyopathy. Last evaluated: 2025-12-16. Review status: criteria provided, single submitter. Criteria: Invitae Variant Classification Sherloc (09022015). Collection method: clinical testing. Allele origin: germline.
Comment: This sequence change replaces isoleucine, which is neutral and non-polar, with valine, which is neutral and non-polar, at codon 539 of the MYBPC3 protein (p.Ile539Val). This variant is present in population databases (rs770186287, gnomAD 0.007%). This missense change has been observed in individuals with hypertrophic cardiomyopathy (PMID: 25132132, 25342278, 27600940, 28356264, 29875424, 32841044, 33782553, 35208637). ClinVar contains an entry for this variant (Variation ID: 2773737). An algorithm developed to predict the effect of missense changes on protein structure and function (PolyPhen-2) suggests that this variant is likely to be tolerated. In summary, the available evidence is currently insufficient to determine the role of this variant in disease. Therefore, it has been classified as a Variant of Uncertain Significance.

Color Diagnostics, LLC DBA Color Health
Classification: Uncertain significance for Cardiomyopathy. Last evaluated: 2025-07-29. Review status: criteria provided, single submitter. Criteria: ACMG Guidelines, 2015. Collection method: clinical testing. Allele origin: germline.
Comment: This missense variant replaces isoleucine with valine at codon 539 of the MYBPC3 protein. Computational prediction suggests that this variant may have a deleterious impact on protein structure and function. To our knowledge, functional studies have not been reported for this variant. This variant has been reported in individuals affected with hypertrophic cardiomyopathy (PMID: 25342278, 27600940, 29875424, 31660989, 32841044). This variant has been identified in 8/238380 chromosomes in the general population by the Genome Aggregation Database (gnomAD). The available evidence is insufficient to determine the role of this variant in disease conclusively. Therefore, this variant is classified as a Variant of Uncertain Significance.

Ambry Genetics
Classification: Uncertain significance for Cardiovascular phenotype. Last evaluated: 2025-07-25. Review status: criteria provided, single submitter. Criteria: Ambry Variant Classification Scheme 2023. Collection method: clinical testing. Allele origin: germline.
Comment: The p.I539V variant (also known as c.1615A>G), located in coding exon 17 of the MYBPC3 gene, results from an A to G substitution at nucleotide position 1615. The isoleucine at codon 539 is replaced by valine, an amino acid with highly similar properties. This variant was reported in individual(s) with features consistent with hypertrophic cardiomyopathy (HCM) (G&oacute;mez J et al. Circ J, 2014 Oct;78:2963-71; Wang J et al. Eur J Heart Fail, 2014 Sep;16:950-7; Cecconi M et al. Int J Mol Med, 2016 Oct;38:1111-24; Preveden A et al. Medicina (Kaunas), 2022 Feb;58:[ePub ahead of print]). This amino acid position is not well conserved in available vertebrate species. In addition, this alteration is predicted to be tolerated by in silico analysis. Based on the available evidence, the clinical significance of this variant remains unclear.

Literature cited by the submitters: PubMed 25132132 (cited by Labcorp Genetics (formerly Invitae), Labcorp and Ambry Genetics); PubMed 25342278 (cited by 3 submitters); PubMed 27600940 (cited by 3 submitters); PubMed 28356264 (cited by Labcorp Genetics (formerly Invitae), Labcorp); PubMed 29875424 (cited by Labcorp Genetics (formerly Invitae), Labcorp and Color Diagnostics, LLC DBA Color Health); PubMed 32841044 (cited by Labcorp Genetics (formerly Invitae), Labcorp and Color Diagnostics, LLC DBA Color Health); PubMed 33782553 (cited by Labcorp Genetics (formerly Invitae), Labcorp); PubMed 35208637 (cited by Labcorp Genetics (formerly Invitae), Labcorp and Ambry Genetics); PubMed 31660989 (cited by Color Diagnostics, LLC DBA Color Health).

NM_000256.3(MYBPC3):c.1615A>G (p.Ile539Val)

Gene: MYBPC3 (myosin binding protein C3; minus strand). Cytogenetic location: 11p11.2.
Variant type: single nucleotide variant.
Coding change: c.1615A>G on transcript NM_000256.3 (MANE Select); coding-DNA position 1615, A replaced by G.
Protein change: p.Ile539Val; replaces isoleucine 539 with valine.
Molecular consequence: missense variant.
Genome position (GRCh38, 1-based): chr11:47,342,587, T>C on the plus strand (A>G on the coding strand, the complement: MYBPC3 is on the minus strand). VCF-style: chr11-47342587-T-C. GRCh37 (hg19) VCF-style: chr11-47364138-T-C.
Other names: short protein forms I539V.
Identifiers: ClinVar variation 2773737 (VCV002773737.5), dbSNP rs770186287, ClinGen allele CA078202.
Genomic context (GRCh38, chr11:47,342,587, plus strand): 5'-GCTGAGGGGTCCAAGCCCTAAAGCCTCATGTGCCCCCCCAGCCAGGCTCACCCTGCACAA[T>C]GAGCTCAGCCAGCGCCTGGCCCCCGCTAGTGCACAGTGCATAGTGCCCCGCGTCCTCCAG-3'
Protein context (NP_000247.2, residues 529-549): TSGGQALAEL[Ile539Val]VQEKKLEVYQ